The following is an entry in ClinVar:

NM_138638.5(CFL2):c.198C>T (p.Asp66=)

Gene: CFL2 (cofilin 2; minus strand). Cytogenetic location: 14q13.1.
Variant type: single nucleotide variant.
Coding change: c.198C>T on transcript NM_138638.5 (MANE Select); coding-DNA position 198, C replaced by T.
Protein change: p.Asp66=; no amino-acid change (aspartic acid 66 retained).
Molecular consequence: synonymous variant.
Genome position (GRCh38, 1-based): chr14:34,713,367, G>A on the plus strand (C>T on the coding strand, the complement: CFL2 is on the minus strand). VCF-style: chr14-34713367-G-A. GRCh37 (hg19) VCF-style: chr14-35182573-G-A.
Other names: c.147C>T, p.Asp49= (NM_001243645.2); c.198C>T, p.Asp66= (NM_021914.8).
Identifiers: ClinVar variation 390792 (VCV000390792.7), dbSNP rs75685384, ClinGen allele CA7152315.
Genomic context (GRCh38, chr14:34,713,367, plus strand): 5'-ATCGTACAAAGCATATCGGCAATCATTCAGAGGTAGCAACTTCACAAAAGATGTGTAGGG[G>A]TCCTCTACAGTATCACCAATGTCACCCACCAAGATCTGCTTTGCTTCCTCTACAATTATT-3'
Protein context (NP_619579.1, residues 56-76): LVGDIGDTVE[Asp66=]PYTSFVKLLP

ClinVar aggregate classification (germline): Likely benign. Review status: criteria provided, multiple submitters, no conflicts (2 of 4 stars). 2 submissions from 2 submitters: Likely benign (2). Last evaluated 2025-04-11.

Conditions:
Nemaline myopathy 7 (NEM7). Also called: Nemaline myopathy 7, autosomal recessive. Identifiers: Orphanet 171436, MedGen C1853154, MONDO:0012538, OMIM 610687.

Allele frequency attached by ClinVar (database versions not stated): gnomAD 0.00001 and 0.00005; gnomAD exomes 0.00002 and 0.00011; TOPMed 0.00002; ExAC 0.00004; 1000 Genomes Project 30x 0.00047; 1000 Genomes Project 0.00060.
gnomAD v4.1: 162 of 1,613,830 alleles (0.01%); highest among the groups gnomAD compares: East Asian, 0.35%; 1 homozygote.

Submissions (2):

Labcorp Genetics (formerly Invitae), Labcorp
Classification: Likely benign for Nemaline myopathy 7. Last evaluated: 2025-04-11. Review status: criteria provided, single submitter. Criteria: Invitae Variant Classification Sherloc (09022015). Collection method: clinical testing. Allele origin: germline.

GeneDx
Classification: Likely benign. Last evaluated: 2016-11-16. Review status: criteria provided, single submitter. Criteria: GeneDx Variant Classification (06012015). Collection method: clinical testing. Allele origin: germline. Affected: yes.
Comment: This variant is considered likely benign or benign based on one or more of the following criteria: it is a conservative change, it occurs at a poorly conserved position in the protein, it is predicted to be benign by multiple in silico algorithms, and/or has population frequency not consistent with disease.